The following is an entry in ClinVar:

NM_004086.3(COCH):c.260G>A (p.Gly87Glu)

Genes: COCH (cochlin; plus strand), COCH-AS1 (COCH antisense RNA 1; minus strand). Cytogenetic location: 14q12.
Variant type: single nucleotide variant.
Coding change: c.260G>A on transcript NM_004086.3 (MANE Select); coding-DNA position 260, G replaced by A.
Protein change: p.Gly87Glu; replaces glycine 87 with glutamic acid.
Molecular consequence: missense variant.
Genome position (GRCh38, 1-based): chr14:30,878,831, G>A. VCF-style: chr14-30878831-G-A. GRCh37 (hg19) VCF-style: chr14-31348037-G-A.
Other names: NM_004086.3(COCH):c.260G>A; p.Gly87Glu; c.260G>A, p.Gly87Glu (NM_001135058.2); c.455G>A, p.Gly152Glu (NM_001347720.2); short protein forms G152E, G87E.
Identifiers: ClinVar variation 3620741 (VCV003620741.3).

ClinVar aggregate classification (germline): Likely pathogenic. Review status: reviewed by expert panel (3 of 4 stars). 2 submissions from 2 submitters: Likely pathogenic (1). 1 of the submissions does not count toward it. Last evaluated 2025-03-12.

Conditions:
Autosomal dominant nonsyndromic hearing loss 9. Identifiers: Orphanet 90635, MedGen C1832425, MONDO:0011058, OMIM 601369.

Submissions (2):

ClinGen Hearing Loss Variant Curation Expert Panel
Classification: Likely pathogenic for Autosomal dominant nonsyndromic hearing loss 9. Last evaluated: 2025-03-12. Review status: reviewed by expert panel. Criteria: Clingen Hl Acmg Specifications Cdh23 Coch Gjb2 Kcnq4 Myo6 Myo7a Slc26a4 Tecta Ush2a V2. Collection method: curation. Allele origin: germline. Inheritance: Autosomal dominant inheritance.
Comment: The c.260G>A variant in COCH is a missense variant predicted to cause substitution of glycine by glutamate at amino acid 87 (p.Gly87Glu). This variant is absent from gnomAD v4.1.0 (PM2_Supporting). The amino acid residue is well conserved and the REVEL computational prediction analysis tool produced a score of 0.885, which is above the threshold necessary to apply PP3 (PP3). Three different missense variants, c.259G>T; p.Gly87Trp [PMID:16835921, ClinVar Variation ID: 1297642], c.260G>C; p.Gly87Ala [ClinVar Variation ID: 517362, with variant segregation in 3 affected family members per lab communication], and c.260G>T; p.Gly87Val [PMIDs:23767834, 23993205], have been classified as pathogenic or likely pathogenic for autosomal dominant, adult-onset hearing loss with vestibular symptoms (PM5_Strong). In summary, this variant has been classified as likely pathogenic for autosomal dominant, adult-onset, nonsyndromic, sensorineural genetic hearing loss based on the ACMG/AMP criteria applied, as specified by the ClinGen Hearing Loss VCEP: PM5_Strong, PM2_Supporting, PP3 (ClinGen Hearing Loss VCEP specifications version 1; 3/12/2025).

Labcorp Genetics (formerly Invitae), Labcorp
Classification: Uncertain significance. Last evaluated: 2024-02-12. Review status: criteria provided, single submitter. Criteria: Invitae Variant Classification Sherloc (09022015). Collection method: clinical testing. Allele origin: germline. Not counted in ClinVar's aggregate classification.
Comment: This sequence change replaces glycine, which is neutral and non-polar, with glutamic acid, which is acidic and polar, at codon 87 of the COCH protein (p.Gly87Glu). This variant is not present in population databases (gnomAD no frequency). This variant has not been reported in the literature in individuals affected with COCH-related conditions. An algorithm developed to predict the effect of missense changes on protein structure and function (PolyPhen-2) suggests that this variant is likely to be disruptive. In summary, the available evidence is currently insufficient to determine the role of this variant in disease. Therefore, it has been classified as a Variant of Uncertain Significance.